The following is an entry in ClinVar:

ClinVar aggregate classification (germline): Benign. Review status: criteria provided, multiple submitters, no conflicts (2 of 4 stars). 12 submissions from 11 submitters: Benign (9). 3 of the submissions do not count toward it. Last evaluated 2026-02-04.

Conditions:
Progressive bulbar palsy of childhood. Also called: FAZIO-LONDE DISEASE; Childhood Progressive Bulbar Palsy. Identifiers: MedGen C0393540, MONDO:0100428, OMIM 211500.
Brown-Vialetto-van Laere syndrome 1. Also called: BULBAR PALSY, PROGRESSIVE, WITH SENSORINEURAL DEAFNESS; PONTOBULBAR PALSY WITH DEAFNESS; BROWN-VIALETTO-VAN LAERE SYNDROME 1, MILD. Identifiers: Orphanet 572550, Orphanet 97229, MedGen C0796274, MONDO:0024537, OMIM 211530.

Allele frequency attached by ClinVar (database versions not stated): ESP Exome Variant Server 0.37521; gnomAD 0.37656 and 0.37875; TOPMed 0.36460; 1000 Genomes Project 0.30871; ExAC 0.43117; gnomAD exomes 0.46001 and 0.43567; 1000 Genomes Project 30x 0.30981.
gnomAD v4.1: 728,581 of 1,613,914 alleles (45%); highest among the groups gnomAD compares: Middle Eastern, 50%; 170,742 homozygotes.

Submissions (12):

Labcorp Genetics (formerly Invitae), Labcorp
Classification: Benign for Brown-Vialetto-van Laere syndrome 1. Last evaluated: 2026-02-04. Review status: criteria provided, single submitter. Criteria: Invitae Variant Classification Sherloc (09022015). Collection method: clinical testing. Allele origin: germline.

Blueprint Genetics
Classification: Benign. Last evaluated: 2024-11-28. Review status: criteria provided, single submitter. Criteria: ACMG Guidelines, 2015. Collection method: clinical testing. Allele origin: germline.

Mayo Clinic Laboratories, Mayo Clinic
Classification: Benign. Last evaluated: 2022-04-26. Review status: criteria provided, single submitter. Criteria: ACMG Guidelines, 2015. Collection method: clinical testing. Allele origin: germline. Observed: 1,056 variant alleles.

Genome-Nilou Lab
Classification: Benign for Progressive bulbar palsy of childhood. Last evaluated: 2021-07-14. Review status: criteria provided, single submitter. Criteria: ACMG Guidelines, 2015. Collection method: clinical testing. Allele origin: germline. Affected: no.

Genome-Nilou Lab
Classification: Benign for Brown-Vialetto-van Laere syndrome 1. Last evaluated: 2021-07-14. Review status: criteria provided, single submitter. Criteria: ACMG Guidelines, 2015. Collection method: clinical testing. Allele origin: germline. Affected: no.

GeneDx
Classification: Benign. Last evaluated: 2018-07-16. Review status: criteria provided, single submitter. Criteria: GeneDx Variant Classification Process June 2021. Collection method: clinical testing. Allele origin: germline. Affected: yes.

Laboratory for Molecular Medicine, Mass General Brigham Personalized Medicine
Classification: Benign. Last evaluated: 2017-08-23. Review status: criteria provided, single submitter. Criteria: LMM Criteria. Collection method: clinical testing. Allele origin: germline. Observed: 182 variant alleles.
Comment: p.Leu255Leu in exon 3 of SLC52A3: This variant is not expected to have clinical significance because it does not alter an amino acid residue, is not located wit hin the splice consensus sequence, and has been identified in 53.54% (6191/11564 ) of Latino chromosomes by the Exome Aggregation Consortium (ExAC; dbSNP rs3746805).

Breakthrough Genomics
Classification: Benign. Review status: criteria provided, single submitter. Criteria: ACMG Guidelines, 2015. Collection method: not provided. Allele origin: germline. Inheritance: Autosomal recessive inheritance. Affected: yes.

PreventionGenetics, part of Exact Sciences
Classification: Benign. Review status: criteria provided, single submitter. Criteria: ACMG Guidelines, 2015. Collection method: clinical testing. Allele origin: germline.

Clinical Genetics, Academic Medical Center
Classification: Benign. Review status: no assertion criteria provided. Collection method: clinical testing. Allele origin: germline. Affected: yes. Study: VKGL Data-share Consensus. Not counted in ClinVar's aggregate classification.

Diagnostic Laboratory, Department of Genetics, University Medical Center Groningen
Classification: Benign. Review status: no assertion criteria provided. Collection method: clinical testing. Allele origin: germline. Affected: yes. Study: VKGL Data-share Consensus. Not counted in ClinVar's aggregate classification.

Joint Genome Diagnostic Labs from Nijmegen and Maastricht, Radboudumc and MUMC+
Classification: Benign. Review status: no assertion criteria provided. Collection method: clinical testing. Allele origin: germline. Affected: yes. Study: VKGL Data-share Consensus. Not counted in ClinVar's aggregate classification.

NM_033409.4(SLC52A3):c.765C>T (p.Leu255=)

Gene: SLC52A3 (solute carrier family 52 member 3; minus strand). Cytogenetic location: 20p13.
Variant type: single nucleotide variant.
Coding change: c.765C>T on transcript NM_033409.4 (MANE Select); coding-DNA position 765, C replaced by T.
Protein change: p.Leu255=; no amino-acid change (leucine 255 retained).
Molecular consequence: synonymous variant.
Genome position (GRCh38, 1-based): chr20:763,806, G>A on the plus strand (C>T on the coding strand, the complement: SLC52A3 is on the minus strand). VCF-style: chr20-763806-G-A. GRCh37 (hg19) VCF-style: chr20-744450-G-A.
Other names: p.Leu255=; c.765C>T, p.Leu255= (NM_001370085.1, NM_001370086.1).
Identifiers: ClinVar variation 262238 (VCV000262238.28), dbSNP rs3746805, ClinGen allele CA9724687.